The following is an entry in ClinVar:

NM_001127222.2(CACNA1A):c.1199-31A>G

Gene: CACNA1A (calcium voltage-gated channel subunit alpha1 A; minus strand). Cytogenetic location: 19p13.13.
Variant type: single nucleotide variant.
Coding change: c.1199-31A>G on transcript NM_001127222.2 (MANE Select); 31 bases into the intron before coding-DNA position 1199, A replaced by G.
Molecular consequence: intron variant.
Genome position (GRCh38, 1-based): chr19:13,332,956, T>C on the plus strand (A>G on the coding strand, the complement: CACNA1A is on the minus strand). VCF-style: chr19-13332956-T-C. GRCh37 (hg19) VCF-style: chr19-13443770-T-C.
Other names: c.1199-31A>G (NM_001127221.2, NM_001174080.2, NM_000068.4 and 1 more transcripts).
Identifiers: ClinVar variation 1192677 (VCV001192677.7), dbSNP rs16008, ClinGen allele CA9240888.

ClinVar aggregate classification (germline): Benign. Review status: criteria provided, multiple submitters, no conflicts (2 of 4 stars). 7 submissions from 4 submitters: Benign (7). Last evaluated 2024-07-15.

Conditions:
Spinocerebellar ataxia type 6 (SCA6). Identifiers: Orphanet 98758, MedGen C0752124, MONDO:0008457, OMIM 183086.
Episodic ataxia type 2 (EA2). Also called: ACETAZOLAMIDE-RESPONSIVE HEREDITARY PAROXYSMAL CEREBELLAR ATAXIA; EPISODIC ATAXIA, NYSTAGMUS-ASSOCIATED; ATAXIA, EPISODIC, WITH NYSTAGMUS; ATAXIA, FAMILIAL PAROXYSMAL; CEREBELLAR ATAXIA, PAROXYSMAL, ACETAZOLAMIDE-RESPONSIVE; CEREBELLOPATHY, HEREDITARY PAROXYSMAL. Identifiers: Orphanet 97, MedGen C1720416, MONDO:0007163, OMIM 108500.
Migraine, familial hemiplegic, 1. Also called: MIGRAINE, FAMILIAL HEMIPLEGIC 1, WITH PROGRESSIVE CEREBELLAR ATAXIA. Identifiers: Orphanet 569, MedGen C1832884, MONDO:0020756, OMIM 141500, MONDO:0007714.
Developmental and epileptic encephalopathy, 42 (DEE42A). Also called: DEVELOPMENTAL AND EPILEPTIC ENCEPHALOPATHY 42A; EPILEPTIC ENCEPHALOPATHY, EARLY INFANTILE, 42A; Epileptic encephalopathy, early infantile, 42. Identifiers: MedGen C4310716, MONDO:0014917, OMIM 617106.

Allele frequency attached by ClinVar (database versions not stated): gnomAD exomes 0.77889 and 0.81983; ESP Exome Variant Server 0.81025; gnomAD 0.81362 and 0.81856; ExAC 0.82160; TOPMed 0.82435; 1000 Genomes Project 0.90036; 1000 Genomes Project 30x 0.90162.
gnomAD v4.1: 1,236,143 of 1,578,308 alleles (78%); highest among the groups gnomAD compares: East Asian, 100%; 487,581 homozygotes.

Submissions (7):

Unidad de Genómica Garrahan, Hospital de Pediatría Garrahan
Classification: Benign. Last evaluated: 2024-07-15. Review status: criteria provided, single submitter. Criteria: ACMG Guidelines, 2015. Collection method: clinical testing. Allele origin: germline. Affected: no. Observed: 88 variant alleles.
Comment: This variant is classified as Benign based on local population frequency. This variant was detected in 95% of patients studied in a panel designed for Epileptic and Developmental Encephalopathy and Progressive Myoclonus Epilepsy. Number of patients: 88. Only high quality variants are reported.

Genome-Nilou Lab
Classification: Benign for Developmental and epileptic encephalopathy, 42. Last evaluated: 2021-07-14. Review status: criteria provided, single submitter. Criteria: ACMG Guidelines, 2015. Collection method: clinical testing. Allele origin: germline. Affected: no.

Genome-Nilou Lab
Classification: Benign for Episodic ataxia type 2. Last evaluated: 2021-07-14. Review status: criteria provided, single submitter. Criteria: ACMG Guidelines, 2015. Collection method: clinical testing. Allele origin: germline. Affected: no.

Genome-Nilou Lab
Classification: Benign for Migraine, familial hemiplegic, 1. Last evaluated: 2021-07-14. Review status: criteria provided, single submitter. Criteria: ACMG Guidelines, 2015. Collection method: clinical testing. Allele origin: germline. Affected: no.

Genome-Nilou Lab
Classification: Benign for Spinocerebellar ataxia type 6. Last evaluated: 2021-07-14. Review status: criteria provided, single submitter. Criteria: ACMG Guidelines, 2015. Collection method: clinical testing. Allele origin: germline. Affected: no.

GeneDx
Classification: Benign. Last evaluated: 2018-06-25. Review status: criteria provided, single submitter. Criteria: GeneDx Variant Classification Process June 2021. Collection method: clinical testing. Allele origin: germline. Affected: yes.

Breakthrough Genomics
Classification: Benign. Review status: criteria provided, single submitter. Criteria: ACMG Guidelines, 2015. Collection method: not provided. Allele origin: germline. Inheritance: Autosomal dominant inheritance. Affected: yes.